The following is an entry in ClinVar:

ClinVar aggregate classification (germline): Uncertain significance. Review status: criteria provided, multiple submitters, no conflicts (2 of 4 stars). 2 submissions from 2 submitters: Uncertain significance (2). Last evaluated 2025-02-17.

Conditions:
Candidiasis, familial, 9 (CANDF9). Identifiers: Orphanet 1334, MedGen C4225324, MONDO:0014642, OMIM 616445.

Allele frequency attached by ClinVar (database versions not stated): TOPMed below 0.00001; gnomAD exomes 0.00001.
gnomAD v4.1: 6 of 1,614,172 alleles (0.00037%); highest among the groups gnomAD compares: East Asian, 0.0022%; no homozygotes.

Submissions (2):

Labcorp Genetics (formerly Invitae), Labcorp
Classification: Uncertain significance for Candidiasis, familial, 9. Last evaluated: 2025-02-17. Review status: criteria provided, single submitter. Criteria: Invitae Variant Classification Sherloc (09022015). Collection method: clinical testing. Allele origin: germline.
Comment: This sequence change replaces glutamic acid, which is acidic and polar, with lysine, which is basic and polar, at codon 44 of the IL17RC protein (p.Glu44Lys). This variant is present in population databases (no rsID available, gnomAD 0.006%). This variant has not been reported in the literature in individuals affected with IL17RC-related conditions. ClinVar contains an entry for this variant (Variation ID: 1960017). An algorithm developed to predict the effect of missense changes on protein structure and function (PolyPhen-2) suggests that this variant is likely to be tolerated. In summary, the available evidence is currently insufficient to determine the role of this variant in disease. Therefore, it has been classified as a Variant of Uncertain Significance.

Ambry Genetics
Classification: Uncertain significance. Last evaluated: 2024-11-29. Review status: criteria provided, single submitter. Criteria: Ambry Variant Classification Scheme 2023. Collection method: clinical testing. Allele origin: germline.

NM_153460.4(IL17RC):c.105+25G>A

Gene: IL17RC (interleukin 17 receptor C; plus strand). Cytogenetic location: 3p25.3.
Variant type: single nucleotide variant.
Coding change: c.105+25G>A on transcript NM_153460.4 (MANE Select); 25 bases into the intron after coding-DNA position 105, G replaced by A.
Molecular consequence: intron variant. On other transcripts: missense variant (1).
Genome position (GRCh38, 1-based): chr3:9,917,445, G>A. VCF-style: chr3-9917445-G-A. GRCh37 (hg19) VCF-style: chr3-9959129-G-A.
Other names: c.130G>A, p.Glu44Lys (NM_153461.4); c.105+25G>A (NM_001203263.2, NM_001203264.2, NM_001367278.1 and 4 more transcripts); c.130G>A (NM_153461.3); short protein forms E44K.
Identifiers: ClinVar variation 1960017 (VCV001960017.6), dbSNP rs1225874954, ClinGen allele CA351753410.